The following is an entry in ClinVar:

ClinVar aggregate classification (germline): Uncertain significance (1 of 4 stars; one submission).

Conditions:
Pancreatic adenocarcinoma. Identifiers: MedGen C0281361, MONDO:0006047, HP:0006725.

Submission:

Labcorp Genetics (formerly Invitae), Labcorp
Classification: Uncertain significance for Pancreatic adenocarcinoma. Last evaluated: 2024-06-28. Review status: criteria provided, single submitter. Criteria: Invitae Variant Classification Sherloc (09022015). Collection method: clinical testing. Allele origin: germline.
Comment: This variant, c.457_459dup, results in the insertion of 1 amino acid(s) of the PALLD protein (p.Pro153dup), but otherwise preserves the integrity of the reading frame. This variant is not present in population databases (gnomAD no frequency). This variant has not been reported in the literature in individuals affected with PALLD-related conditions. In summary, the available evidence is currently insufficient to determine the role of this variant in disease. Therefore, it has been classified as a Variant of Uncertain Significance.

NM_001166108.2(PALLD):c.1965-12581GCC[4]

Gene: PALLD (palladin, cytoskeletal associated protein; plus strand). Cytogenetic location: 4q32.3.
Variant type: Microsatellite.
Coding change: c.1965-12581GCC[4] on transcript NM_001166108.2 (MANE Select); four copies in a row of the 3-base unit GCC starting at c.1965-12581.
Molecular consequence: intron variant.
Genome position: GRCh38 VCF-style: chr4-168878340-A-AGCC. GRCh37 (hg19) VCF-style: chr4-169799491-A-AGCC.
Other names: c.451CCG[4], p.Pro153_Ala154insPro (NM_001166110.2); c.1965-12581GCC[4] (NM_016081.4); c.819-12581GCC[4] (NM_001166109.2); c.-157-12581GCC[4] (NM_001367570.1, NM_001367568.1, NM_001367567.1 and 1 more transcripts).
Identifiers: ClinVar variation 3658154 (VCV003658154.2).
Genomic context (GRCh38, chr4:168,878,340, plus strand): 5'-CCACCCGCTTCGGCCACAGCCAGACGCCCGCGGCCTTCCTCAGCGCTCTGCTGCCCTCGC[A>AGCC]GCCGCCGCCGGCGGCCGTCAACGCCCTGGGGCTGCCCAAGGGTGTCACCCCCGCGTGAGT-3'